The following is an entry in ClinVar:

ClinVar aggregate classification (germline): Conflicting classifications of pathogenicity. Review status: criteria provided, conflicting classifications (1 of 4 stars). 8 submissions from 8 submitters: Uncertain significance (1); Benign (1); Likely benign (5). 1 of the submissions does not count toward it. Last evaluated 2026-01-29.

Conditions:
FANCI-related disorder. Also called: FANCI-related condition.
Fanconi anemia (FA). Also called: Fanconi's anemia. Identifiers: Orphanet 84, MedGen C0015625, MeSH D005199, MONDO:0019391.
Fanconi anemia complementation group I (FANCI). Also called: FANCI-Related Fanconi Anemia. Identifiers: Orphanet 84, MedGen C1836861, MONDO:0012186, OMIM 609053.

Allele frequency attached by ClinVar (database versions not stated): ESP Exome Variant Server 0.00015; ExAC 0.00027; gnomAD 0.00027; 1000 Genomes Project 30x 0.00031; TOPMed 0.00032; 1000 Genomes Project 0.00040.
gnomAD v4.1: 498 of 1,612,908 alleles (0.031%); highest among the groups gnomAD compares: South Asian, 0.038%; no homozygotes.

Submissions (8):

Labcorp Genetics (formerly Invitae), Labcorp
Classification: Likely benign for Fanconi anemia. Last evaluated: 2026-01-29. Review status: criteria provided, single submitter. Criteria: Invitae Variant Classification Sherloc (09022015). Collection method: clinical testing. Allele origin: germline.

CeGaT Center for Human Genetics Tuebingen
Classification: Likely benign. Last evaluated: 2025-12-01. Review status: criteria provided, single submitter. Criteria: CeGaT Center For Human Genetics Tuebingen Variant Classification Criteria Version 2. Collection method: clinical testing. Allele origin: germline. Affected: yes. Observed: 10 variant alleles.
Comment: FANCI: BP4, BP7

KCCC/NGS Laboratory, Kuwait Cancer Control Center
Classification: Benign for Fanconi anemia complementation group I. Last evaluated: 2025-02-01. Review status: criteria provided, single submitter. Criteria: ACMG Guidelines, 2015. Collection method: clinical testing. Allele origin: germline. Affected: no.

Blueprint Genetics
Classification: Likely benign. Last evaluated: 2024-10-23. Review status: criteria provided, single submitter. Criteria: ACMG Guidelines, 2015. Collection method: clinical testing. Allele origin: germline.

Genetic Services Laboratory, University of Chicago
Classification: Likely benign. Last evaluated: 2021-12-22. Review status: criteria provided, single submitter. Criteria: ACMG Guidelines, 2015. Collection method: clinical testing. Allele origin: germline. Affected: no.

Sema4
Classification: Likely benign for Fanconi anemia. Last evaluated: 2021-06-29. Review status: criteria provided, single submitter. Criteria: Sema4 Curation Guidelines. Collection method: curation. Allele origin: germline.

Illumina Laboratory Services, Illumina
Classification: Uncertain significance for Fanconi anemia complementation group I. Last evaluated: 2018-01-13. Review status: criteria provided, single submitter. Criteria: ICSL Variant Classification Criteria 13 December 2019. Collection method: clinical testing. Allele origin: germline.

PreventionGenetics, part of Exact Sciences
Classification: Likely benign for FANCI-related condition. Last evaluated: 2024-04-05. Review status: no assertion criteria provided. Collection method: clinical testing. Allele origin: germline. Not counted in ClinVar's aggregate classification.
Comment: This variant is classified as likely benign based on ACMG/AMP sequence variant interpretation guidelines (Richards et al. 2015 PMID: 25741868, with internal and published modifications).

NM_001113378.2(FANCI):c.528A>G (p.Gln176=)

Gene: FANCI (FA complementation group I; plus strand). Cytogenetic location: 15q26.1.
Variant type: single nucleotide variant.
Coding change: c.528A>G on transcript NM_001113378.2 (MANE Select); coding-DNA position 528, A replaced by G.
Protein change: p.Gln176=; no amino-acid change (glutamine 176 retained).
Molecular consequence: synonymous variant.
Genome position (GRCh38, 1-based): chr15:89,263,443, A>G. VCF-style: chr15-89263443-A-G. GRCh37 (hg19) VCF-style: chr15-89806674-A-G.
Other names: c.249A>G, p.Gln83= (NM_001376910.1); c.528A>G, p.Gln176= (NM_001376911.1, NM_018193.3).
Identifiers: ClinVar variation 408242 (VCV000408242.44), dbSNP rs145939211, ClinGen allele CA7722663.
Genomic context (GRCh38, chr15:89,263,443, plus strand): 5'-TGTAAAGAAATAAACTTTGTCATTTTCTTCTACCAGGTGGGATCAGCAATATGTAATCCA[A>G]CTCACCTCCATGTTCAAGTAAGCATCATCTTTTCCCTTTTCTTTGTGTATCCTGCTTTGT-3'
Protein context (NP_001106849.1, residues 166-186): SGRWDQQYVI[Gln176=]LTSMFKDVPL